The following is an entry in ClinVar:

NM_014014.5(SNRNP200):c.1180A>G (p.Met394Val)

Gene: SNRNP200 (small nuclear ribonucleoprotein U5 subunit 200; minus strand). Cytogenetic location: 2q11.2.
Variant type: single nucleotide variant.
Coding change: c.1180A>G on transcript NM_014014.5 (MANE Select); coding-DNA position 1180, A replaced by G.
Protein change: p.Met394Val; replaces methionine 394 with valine.
Molecular consequence: missense variant.
Genome position (GRCh38, 1-based): chr2:96,297,660, T>C on the plus strand (A>G on the coding strand, the complement: SNRNP200 is on the minus strand). VCF-style: chr2-96297660-T-C. GRCh37 (hg19) VCF-style: chr2-96963398-T-C.
Other names: short protein forms M394V.
Identifiers: ClinVar variation 1423010 (VCV001423010.7), dbSNP rs529119181, ClinGen allele CA52402194.
Genomic context (GRCh38, chr2:96,297,660, plus strand): 5'-CATCAAGGCCTGGGAAATAAATCGCCCTGGATCCTACCTCTCCACCCTGGTCGAGATCCA[T>C]GGTTTCCAGATCTGTGTCCATTCGAGACTGACGCACTCGCTCTCTCCGGGACCTTTCCTC-3'
Protein context (NP_054733.2, residues 384-404): QSRMDTDLET[Met394Val]DLDQGGEALA

ClinVar aggregate classification (germline): Uncertain significance. Review status: criteria provided, multiple submitters, no conflicts (2 of 4 stars). 2 submissions from 2 submitters: Uncertain significance (2). Last evaluated 2022-11-07.

Allele frequency attached by ClinVar (database versions not stated): gnomAD exomes below 0.00001 and 0.00001; TOPMed 0.00001; gnomAD 0.00002 and 0.00003.
gnomAD v4.1: 10 of 1,614,126 alleles (0.00062%); highest among the groups gnomAD compares: South Asian, 0.0011%; no homozygotes.

Submissions (2):

Labcorp Genetics (formerly Invitae), Labcorp
Classification: Uncertain significance. Last evaluated: 2022-11-07. Review status: criteria provided, single submitter. Criteria: Invitae Variant Classification Sherloc (09022015). Collection method: clinical testing. Allele origin: germline.
Comment: In summary, the available evidence is currently insufficient to determine the role of this variant in disease. Therefore, it has been classified as a Variant of Uncertain Significance. Advanced modeling of protein sequence and biophysical properties (such as structural, functional, and spatial information, amino acid conservation, physicochemical variation, residue mobility, and thermodynamic stability) performed at Invitae indicates that this missense variant is not expected to disrupt SNRNP200 protein function. ClinVar contains an entry for this variant (Variation ID: 1423010). This variant has not been reported in the literature in individuals affected with SNRNP200-related conditions. This variant is not present in population databases (gnomAD no frequency). This sequence change replaces methionine, which is neutral and non-polar, with valine, which is neutral and non-polar, at codon 394 of the SNRNP200 protein (p.Met394Val).

Blueprint Genetics
Classification: Uncertain significance. Last evaluated: 2022-03-24. Review status: criteria provided, single submitter. Criteria: ACMG Guidelines, 2015. Collection method: clinical testing. Allele origin: germline.